The following is an entry in ClinVar:

ClinVar aggregate classification (germline): Uncertain significance (1 of 4 stars; one submission).

Conditions:
Familial melanoma. Also called: Hereditary melanoma; Hereditary cutaneous melanoma. Identifiers: Orphanet 618, MedGen C1512419, MONDO:0018961.

Allele frequency attached by ClinVar (database versions not stated): TOPMed below 0.00001; gnomAD 0.00001.

Submission:

Labcorp Genetics (formerly Invitae), Labcorp
Classification: Uncertain significance for Familial melanoma. Last evaluated: 2022-03-15. Review status: criteria provided, single submitter. Criteria: Invitae Variant Classification Sherloc (09022015). Collection method: clinical testing. Allele origin: germline.
Comment: In summary, the available evidence is currently insufficient to determine the role of this variant in disease. Therefore, it has been classified as a Variant of Uncertain Significance. Experimental studies have shown that this missense change does not substantially affect CDKN2A (p16INK4a) function (PMID: 12606942). Algorithms developed to predict the effect of missense changes on protein structure and function (SIFT, PolyPhen-2, Align-GVGD) all suggest that this variant is likely to be tolerated. This variant is also known as c.371T>C (p.Leu124Pro) in the CDKN2A (p14ARF) transcript. This variant has not been reported in the literature in individuals affected with CDKN2A (p16INK4a)-related conditions. This variant is not present in population databases (gnomAD no frequency). This sequence change replaces tryptophan, which is neutral and slightly polar, with arginine, which is basic and polar, at codon 110 of the CDKN2A (p16INK4a) protein (p.Trp110Arg). The CDKN2A gene encodes two different proteins, p16INK4a and p14ARF, which are translated from alternative transcripts with different open reading frames. Both transcripts have been analyzed. We report either the variant with the higher classification or default to the CDKN2A (p16INK4a) variant. This report therefore includes the details for the CDKN2A (p16INK4a) variant.

Literature cited by the submitters: PubMed 12606942.

NM_000077.5(CDKN2A):c.328T>C (p.Trp110Arg)

Gene: CDKN2A (cyclin dependent kinase inhibitor 2A; minus strand). Cytogenetic location: 9p21.3.
Variant type: single nucleotide variant.
Coding change: c.328T>C on transcript NM_000077.5; coding-DNA position 328, T replaced by C.
Protein change: p.Trp110Arg; replaces tryptophan 110 with arginine.
Molecular consequence: missense variant (on NM_000077.6). On other transcripts: 3 prime UTR variant (1).
Genome position (GRCh38, 1-based): chr9:21,971,031, A>G on the plus strand (T>C on the coding strand, the complement: CDKN2A is on the minus strand). VCF-style: chr9-21971031-A-G. GRCh37 (hg19) VCF-style: chr9-21971030-A-G.
Other names: c.328T>C, p.Trp110Arg (NM_000077.6, NM_001195132.2); c.175T>C, p.Trp59Arg (NM_001363763.2); c.371T>C, p.Leu124Pro (NM_058195.4); c.*251T>C (NM_058197.5); short protein forms L124P, W110R, W59R.
Identifiers: ClinVar variation 2109926 (VCV002109926.4), dbSNP rs747717236, ClinGen allele CA373086051.
Genomic context (GRCh38, chr9:21,971,031, plus strand): 5'-GGTACCGTGCGACATCGCGATGGCCCAGCTCCTCAGCCAGGTCCACGGGCAGACGGCCCC[A>G]GGCATCGCGCACGTCCAGCCGCGCCCCGGCCCGGTGCAGCACCACCAGCGTGTCCAGGAA-3'
Protein context (NP_000068.1, residues 100-120): AGARLDVRDA[Trp110Arg]GRLPVDLAEE